The following is an entry in ClinVar:

ClinVar aggregate classification (germline): Pathogenic (1 of 4 stars; one submission).

Conditions:
Hereditary cancer-predisposing syndrome. Also called: Neoplastic Syndromes, Hereditary; Tumor predisposition; Hereditary Cancer Syndrome; Hereditary neoplastic syndrome. Identifiers: Orphanet 140162, MedGen C0027672, MeSH D009386, MONDO:0015356.

Submission:

Ambry Genetics
Classification: Pathogenic for Hereditary cancer-predisposing syndrome. Last evaluated: 2015-12-09. Review status: criteria provided, single submitter. Criteria: Ambry Variant Classification Scheme 2023. Collection method: clinical testing. Allele origin: germline.
Comment: The c.4126dupT pathogenic mutation, located in coding exon 15 of the APC gene, results from a duplication of T at nucleotide position 4126, causing a translational frameshift with a predicted alternate stop codon (p.Y1376LFS*10). Since frameshifts are typically deleterious in nature, this alteration is interpreted as a disease-causing mutation (ACMG Recommendations for Standards for Interpretation and Reporting of Sequence Variations. Revision 2007. Genet Med. 2008;10:294).

NM_000038.6(APC):c.4126dup (p.Tyr1376fs)

Gene: APC (APC regulator of Wnt signaling pathway; plus strand). Cytogenetic location: 5q22.2.
Variant type: Duplication.
Coding change: c.4126dup on transcript NM_000038.6 (MANE Select); coding-DNA position 4126, one base duplicated (T; older notation c.4126dupT).
Protein change: p.Tyr1376fs; shifts the reading frame from tyrosine 1376.
Molecular consequence: frameshift variant.
Genome position (GRCh38, 1-based): chr5:112,839,720, T duplicated. VCF-style (leftmost placement, unchanged base first): chr5-112839719-C-CT. GRCh37 (hg19) VCF-style: chr5-112175416-C-CT.
Other names: c.4126dup, p.Tyr1376fs (NM_001127510.3, NM_001354895.2); c.4072dup, p.Tyr1358fs (NM_001127511.3); c.4180dup, p.Tyr1394fs (NM_001354896.2); c.4156dup, p.Tyr1386fs (NM_001354897.2); c.4051dup, p.Tyr1351fs (NM_001354898.2); c.4042dup, p.Tyr1348fs (NM_001354899.2); c.4003dup, p.Tyr1335fs (NM_001354900.2); c.3949dup, p.Tyr1317fs (NM_001354901.2); and 16 more; short protein forms Y1275fs, Y1285fs, Y1335fs, Y1351fs, Y1358fs, Y1250fs, Y1386fs, Y1216fs.
Identifiers: ClinVar variation 1738045 (VCV001738045.2), dbSNP rs2533550428, ClinGen allele CA645543739.